The following is an entry in ClinVar:

ClinVar aggregate classification (germline): Uncertain significance (1 of 4 stars; one submission).

gnomAD v4.1: 5 of 1,599,452 alleles (0.00031%); highest among the groups gnomAD compares: Middle Eastern, 0.018%; no homozygotes.

Submission:

Labcorp Genetics (formerly Invitae), Labcorp
Classification: Uncertain significance. Last evaluated: 2026-01-12. Review status: criteria provided, single submitter. Criteria: Invitae Variant Classification Sherloc (09022015). Collection method: clinical testing. Allele origin: germline.
Comment: This sequence change replaces alanine, which is neutral and non-polar, with glutamic acid, which is acidic and polar, at codon 44 of the SHPK protein (p.Ala44Glu). The frequency data for this variant in the population databases is considered unreliable, as metrics indicate poor data quality at this position in the gnomAD database. This variant has not been reported in the literature in individuals affected with SHPK-related conditions. ClinVar contains an entry for this variant (Variation ID: 2902398). An algorithm developed to predict the effect of missense changes on protein structure and function (PolyPhen-2) suggests that this variant is likely to be disruptive. In summary, the available evidence is currently insufficient to determine the role of this variant in disease. Therefore, it has been classified as a Variant of Uncertain Significance.

NM_013276.4(SHPK):c.131C>A (p.Ala44Glu)

Gene: SHPK (sedoheptulokinase; minus strand). Cytogenetic location: 17p13.2.
Variant type: single nucleotide variant.
Coding change: c.131C>A on transcript NM_013276.4 (MANE Select); coding-DNA position 131, C replaced by A.
Protein change: p.Ala44Glu; replaces alanine 44 with glutamic acid.
Molecular consequence: missense variant.
Genome position (GRCh38, 1-based): chr17:3,636,089, G>T on the plus strand (C>A on the coding strand, the complement: SHPK is on the minus strand). VCF-style: chr17-3636089-G-T. GRCh37 (hg19) VCF-style: chr17-3539383-G-T.
Other names: short protein forms A44E.
Identifiers: ClinVar variation 2902398 (VCV002902398.3), dbSNP rs369869079, ClinGen allele CA397683804.